The following is an entry in ClinVar:

NM_170707.4(LMNA):c.983C>G (p.Ala328Gly)

Gene: LMNA (lamin A/C; plus strand). Cytogenetic location: 1q22.
Variant type: single nucleotide variant.
Coding change: c.983C>G on transcript NM_170707.4 (MANE Select); coding-DNA position 983, C replaced by G.
Protein change: p.Ala328Gly; replaces alanine 328 with glycine.
Molecular consequence: missense variant.
Genome position (GRCh38, 1-based): chr1:156,135,947, C>G. VCF-style: chr1-156135947-C-G. GRCh37 (hg19) VCF-style: chr1-156105738-C-G.
Other names: c.983C>G, p.Ala328Gly (NM_001282626.2, NM_001406983.1, NM_001406984.1 and 6 more transcripts); c.740C>G, p.Ala247Gly (NM_001406986.1, NM_001406987.1, NM_001282624.2); c.686C>G, p.Ala229Gly (NM_001406988.1); c.647C>G, p.Ala216Gly (NM_001406989.1, NM_001257374.3, NM_001406998.1); c.425C>G, p.Ala142Gly (NM_001406990.1, NM_001407002.1, NM_001407003.1 and 4 more transcripts); c.359C>G, p.Ala120Gly (NM_001407001.1, NM_001406994.1, NM_001406999.1 and 1 more transcripts); short protein forms A247G, A216G, A229G, A328G, A120G, A142G.
Identifiers: ClinVar variation 3691999 (VCV003691999.3).

ClinVar aggregate classification (germline): Uncertain significance. Review status: criteria provided, multiple submitters, no conflicts (2 of 4 stars). 2 submissions from 2 submitters: Uncertain significance (2). Last evaluated 2025-03-26.

Conditions:
Charcot-Marie-Tooth disease type 2. Also called: Charcot-Marie-Tooth type 2. Identifiers: Orphanet 64746, MedGen C0270914, MONDO:0018993.
LMNA-related disorder. Also called: LMNA-related condition; LMNA-related disease; LMNA-related disorders. Identifiers: MedGen CN380145.

Submissions (2):

3billion
Classification: Uncertain significance for LMNA-related disorder. Last evaluated: 2025-03-26. Review status: criteria provided, single submitter. Criteria: ACMG Guidelines, 2015. Collection method: clinical testing. Allele origin: germline. Affected: yes.

Labcorp Genetics (formerly Invitae), Labcorp
Classification: Uncertain significance for Charcot-Marie-Tooth disease type 2. Last evaluated: 2025-01-01. Review status: criteria provided, single submitter. Criteria: Invitae Variant Classification Sherloc (09022015). Collection method: clinical testing. Allele origin: germline.
Comment: This sequence change replaces alanine, which is neutral and non-polar, with glycine, which is neutral and non-polar, at codon 328 of the LMNA protein (p.Ala328Gly). This variant is not present in population databases (gnomAD no frequency). This variant has not been reported in the literature in individuals affected with LMNA-related conditions. Invitae Evidence Modeling of protein sequence and biophysical properties (such as structural, functional, and spatial information, amino acid conservation, physicochemical variation, residue mobility, and thermodynamic stability) indicates that this missense variant is expected to disrupt LMNA protein function with a positive predictive value of 95%. In summary, the available evidence is currently insufficient to determine the role of this variant in disease. Therefore, it has been classified as a Variant of Uncertain Significance.